The following is an entry in ClinVar:

NM_015386.3(COG4):c.1208G>A (p.Cys403Tyr)

Gene: COG4 (component of oligomeric golgi complex 4; minus strand). Cytogenetic location: 16q22.1.
Variant type: single nucleotide variant.
Coding change: c.1208G>A on transcript NM_015386.3 (MANE Select); coding-DNA position 1208, G replaced by A.
Protein change: p.Cys403Tyr; replaces cysteine 403 with tyrosine.
Molecular consequence: missense variant. On other transcripts: non-coding transcript variant (1).
Genome position (GRCh38, 1-based): chr16:70,498,043, C>T on the plus strand (G>A on the coding strand, the complement: COG4 is on the minus strand). VCF-style: chr16-70498043-C-T. GRCh37 (hg19) VCF-style: chr16-70531946-C-T.
Other names: c.1196G>A, p.Cys399Tyr (NM_001195139.2); c.782G>A, p.Cys261Tyr (NM_001365426.1); short protein forms C399Y, C403Y, C261Y.
Identifiers: ClinVar variation 956806 (VCV000956806.11), dbSNP rs542338317, ClinGen allele CA8144385.

ClinVar aggregate classification (germline): Uncertain significance. Review status: criteria provided, multiple submitters, no conflicts (2 of 4 stars). 2 submissions from 2 submitters: Uncertain significance (2). Last evaluated 2024-09-26.

Conditions:
Inborn genetic diseases. Identifiers: MedGen C0950123, MeSH D030342.
COG4-congenital disorder of glycosylation. Also called: CONGENITAL DISORDER OF GLYCOSYLATION, TYPE IIj; CDG IIj; COG4-CDG. Identifiers: Orphanet 263501, MedGen C4303552, MONDO:0013281, OMIM 613489.

Allele frequency attached by ClinVar (database versions not stated): gnomAD exomes below 0.00001 and 0.00003; ExAC 0.00002; gnomAD 0.00006; TOPMed 0.00006; 1000 Genomes Project 30x 0.00016; 1000 Genomes Project 0.00020.
gnomAD v4.1: 14 of 1,609,934 alleles (0.00087%); highest among the groups gnomAD compares: African/African-American, 0.0093%; no homozygotes.

Submissions (2):

Ambry Genetics
Classification: Uncertain significance for Inborn genetic diseases. Last evaluated: 2024-09-26. Review status: criteria provided, single submitter. Criteria: Ambry Variant Classification Scheme 2023. Collection method: clinical testing. Allele origin: germline.

Labcorp Genetics (formerly Invitae), Labcorp
Classification: Uncertain significance for COG4-congenital disorder of glycosylation. Last evaluated: 2019-09-22. Review status: criteria provided, single submitter. Criteria: Invitae Variant Classification Sherloc (09022015). Collection method: clinical testing. Allele origin: germline.
Comment: In summary, the available evidence is currently insufficient to determine the role of this variant in disease. Therefore, it has been classified as a Variant of Uncertain Significance. Algorithms developed to predict the effect of missense changes on protein structure and function output the following: SIFT: "Tolerated"; PolyPhen-2: "Benign"; Align-GVGD: "Class C0". The tyrosine amino acid residue is found in multiple mammalian species, suggesting that this missense change does not adversely affect protein function. These predictions have not been confirmed by published functional studies and their clinical significance is uncertain. This variant has not been reported in the literature in individuals with COG4-related conditions. This variant is present in population databases (rs542338317, ExAC 0.01%). This sequence change replaces cysteine with tyrosine at codon 403 of the COG4 protein (p.Cys403Tyr). The cysteine residue is weakly conserved and there is a large physicochemical difference between cysteine and tyrosine.